The following is an entry in ClinVar:

ClinVar aggregate classification (germline): Uncertain significance (1 of 4 stars; one submission).

Allele frequency attached by ClinVar (database versions not stated): gnomAD 0.00002 and 0.00003; gnomAD exomes 0.00002 and 0.00004; TOPMed 0.00005; ExAC 0.00007; ESP Exome Variant Server 0.00008.
gnomAD v4.1: 35 of 1,613,042 alleles (0.0022%); highest among the groups gnomAD compares: African/African-American, 0.004%; no homozygotes.

Submission:

Labcorp Genetics (formerly Invitae), Labcorp
Classification: Uncertain significance. Last evaluated: 2022-08-31. Review status: criteria provided, single submitter. Criteria: Invitae Variant Classification Sherloc (09022015). Collection method: clinical testing. Allele origin: germline.
Comment: This sequence change replaces glycine, which is neutral and non-polar, with serine, which is neutral and polar, at codon 281 of the LAMC3 protein (p.Gly281Ser). This variant is present in population databases (rs369660174, gnomAD 0.01%). This variant has not been reported in the literature in individuals affected with LAMC3-related conditions. ClinVar contains an entry for this variant (Variation ID: 1485003). Algorithms developed to predict the effect of missense changes on protein structure and function output the following: SIFT: "Tolerated"; PolyPhen-2: "Benign"; Align-GVGD: "Class C0". The serine amino acid residue is found in multiple mammalian species, which suggests that this missense change does not adversely affect protein function. In summary, the available evidence is currently insufficient to determine the role of this variant in disease. Therefore, it has been classified as a Variant of Uncertain Significance.

NM_006059.4(LAMC3):c.841G>A (p.Gly281Ser)

Gene: LAMC3 (laminin subunit gamma 3; plus strand). Cytogenetic location: 9q34.12.
Variant type: single nucleotide variant.
Coding change: c.841G>A on transcript NM_006059.4 (MANE Select); coding-DNA position 841, G replaced by A.
Protein change: p.Gly281Ser; replaces glycine 281 with serine.
Molecular consequence: missense variant.
Genome position (GRCh38, 1-based): chr9:131,036,197, G>A. VCF-style: chr9-131036197-G-A. GRCh37 (hg19) VCF-style: chr9-133911584-G-A.
Other names: short protein forms G281S.
Identifiers: ClinVar variation 1485003 (VCV001485003.5), dbSNP rs369660174, ClinGen allele CA5286846.